The following is an entry in ClinVar:

NM_001330078.2(NRXN1):c.3952A>G (p.Ile1318Val)

Gene: NRXN1 (neurexin 1; minus strand). Cytogenetic location: 2p16.3.
Variant type: single nucleotide variant.
Coding change: c.3952A>G on transcript NM_001330078.2 (MANE Select); coding-DNA position 3952, A replaced by G.
Protein change: p.Ile1318Val; replaces isoleucine 1318 with valine.
Molecular consequence: missense variant.
Genome position (GRCh38, 1-based): chr2:50,053,447, T>C on the plus strand (A>G on the coding strand, the complement: NRXN1 is on the minus strand). VCF-style: chr2-50053447-T-C. GRCh37 (hg19) VCF-style: chr2-50280585-T-C.
Other names: c.4072A>G, p.Ile1358Val (NM_001135659.3); c.3928A>G, p.Ile1310Val (NM_001330077.2, NM_001330082.2); c.3796A>G, p.Ile1266Val (NM_001330083.2); c.3886A>G, p.Ile1296Val (NM_001330084.2); c.3925A>G, p.Ile1309Val (NM_001330085.2); c.3952A>G, p.Ile1318Val (NM_001330086.2); c.3751A>G, p.Ile1251Val (NM_001330087.2, NM_001330096.2); c.3781A>G, p.Ile1261Val (NM_001330088.2); and 6 more; short protein forms I1251V, I1261V, I1266V, I1271V, I1288V, I1296V, I1309V, I1310V.
Identifiers: ClinVar variation 1693450 (VCV001693450.2), dbSNP rs1407260529, ClinGen allele CA346819695.

ClinVar aggregate classification (germline): Uncertain significance (1 of 4 stars; one submission).

Allele frequency attached by ClinVar (database versions not stated): gnomAD exomes below 0.00001 and 0.00001.
gnomAD v4.1: 9 of 1,614,082 alleles (0.00056%); highest among the groups gnomAD compares: Middle Eastern, 0.016%; no homozygotes.

Submission:

GeneDx
Classification: Uncertain significance. Last evaluated: 2022-01-04. Review status: criteria provided, single submitter. Criteria: GeneDx Variant Classification Process June 2021. Collection method: clinical testing. Allele origin: germline. Affected: yes.
Comment: Not observed at significant frequency in large population cohorts (gnomAD); In silico analysis supports that this missense variant does not alter protein structure/function; Has not been previously published as pathogenic or benign to our knowledge